The following is an entry in ClinVar:

NM_017433.5(MYO3A):c.2555C>G (p.Pro852Arg)

Gene: MYO3A (myosin IIIA; plus strand). Cytogenetic location: 10p12.1.
Variant type: single nucleotide variant.
Coding change: c.2555C>G on transcript NM_017433.5 (MANE Select); coding-DNA position 2555, C replaced by G.
Protein change: p.Pro852Arg; replaces proline 852 with arginine.
Molecular consequence: missense variant.
Genome position (GRCh38, 1-based): chr10:26,147,479, C>G. VCF-style: chr10-26147479-C-G. GRCh37 (hg19) VCF-style: chr10-26436408-C-G.
Other names: short protein forms P852R.
Identifiers: ClinVar variation 4696164 (VCV004696164.1).
Genomic context (GRCh38, chr10:26,147,479, plus strand): 5'-TGTATCAACAGGTCCTCTATAATGCAAGTGGATTCTTAGCCAAAAACAGAGACACTCTTC[C>G]TACTGACATTGTGCTACTTTTGAGGTCATCCGACAACAGTGTAATTAGGCAACTAGTCAA-3'
Protein context (NP_059129.3, residues 842-862): GFLAKNRDTL[Pro852Arg]TDIVLLLRSS

ClinVar aggregate classification (germline): Uncertain significance (1 of 4 stars; one submission).

gnomAD v4.1: 1 of 1,613,908 alleles (0.000062%); highest among the groups gnomAD compares: Non-Finnish European, 0.000085%; no homozygotes.

Submission:

Labcorp Genetics (formerly Invitae), Labcorp
Classification: Uncertain significance. Last evaluated: 2025-07-25. Review status: criteria provided, single submitter. Criteria: Invitae Variant Classification Sherloc (09022015). Collection method: clinical testing. Allele origin: germline.
Comment: This sequence change replaces proline, which is neutral and non-polar, with arginine, which is basic and polar, at codon 852 of the MYO3A protein (p.Pro852Arg). This variant is present in population databases (rs751032981, gnomAD 0.0009%). This variant has not been reported in the literature in individuals affected with MYO3A-related conditions. Invitae Evidence Modeling of protein sequence and biophysical properties (such as structural, functional, and spatial information, amino acid conservation, physicochemical variation, residue mobility, and thermodynamic stability) indicates that this missense variant is not expected to disrupt MYO3A protein function with a negative predictive value of 80%. In summary, the available evidence is currently insufficient to determine the role of this variant in disease. Therefore, it has been classified as a Variant of Uncertain Significance.